The following is an entry in ClinVar:

ClinVar aggregate classification (germline): Uncertain significance (1 of 4 stars; one submission).

Conditions:
Hereditary cancer-predisposing syndrome. Also called: Neoplastic Syndromes, Hereditary; Tumor predisposition; Hereditary Cancer Syndrome; Hereditary neoplastic syndrome. Identifiers: Orphanet 140162, MedGen C0027672, MeSH D009386, MONDO:0015356.

Submission:

Ambry Genetics
Classification: Uncertain significance for Hereditary cancer-predisposing syndrome. Last evaluated: 2026-05-03. Review status: criteria provided, single submitter. Criteria: Ambry Variant Classification Scheme 2023. Collection method: clinical testing. Allele origin: germline.
Comment: The p.L15V variant (also known as c.43C>G), located in coding exon 1 of the PRKAR1A gene, results from a C to G substitution at nucleotide position 43. The leucine at codon 15 is replaced by valine, an amino acid with highly similar properties. This amino acid position is conserved. In addition, the in silico prediction for this alteration is inconclusive. Based on the available evidence, the clinical significance of this variant remains unclear.

NM_002734.5(PRKAR1A):c.43C>G (p.Leu15Val)

Gene: PRKAR1A (protein kinase cAMP-dependent type I regulatory subunit alpha; plus strand). Cytogenetic location: 17q24.2.
Variant type: single nucleotide variant.
Coding change: c.43C>G on transcript NM_002734.5 (MANE Select); coding-DNA position 43, C replaced by G.
Protein change: p.Leu15Val; replaces leucine 15 with valine.
Molecular consequence: missense variant.
Genome position (GRCh38, 1-based): chr17:68,515,442, C>G. VCF-style: chr17-68515442-C-G. GRCh37 (hg19) VCF-style: chr17-66511583-C-G.
Other names: c.43C>G, p.Leu15Val (NM_001276289.2, NM_001276290.1, NM_001278433.2 and 4 more transcripts); short protein forms L15V.
Identifiers: ClinVar variation 4862512 (VCV004862512.1).